The following is an entry in ClinVar:

ClinVar aggregate classification (germline): Uncertain significance (1 of 4 stars; one submission).

Conditions:
Encephalopathy, acute, infection-induced (herpes-specific), susceptibility to, 1. Also called: Herpes simplex encephalitis, susceptibility to, 1. Identifiers: Orphanet 1930, MedGen C2750180, MONDO:0024563, OMIM 610551.

Submission:

Labcorp Genetics (formerly Invitae), Labcorp
Classification: Uncertain significance for Encephalopathy, acute, infection-induced (herpes-specific), susceptibility to, 1. Last evaluated: 2023-10-13. Review status: criteria provided, single submitter. Criteria: Invitae Variant Classification Sherloc (09022015). Collection method: clinical testing. Allele origin: germline.
Comment: This sequence change replaces lysine, which is basic and polar, with asparagine, which is neutral and polar, at codon 496 of the UNC93B1 protein (p.Lys496Asn). The frequency data for this variant in the population databases is considered unreliable, as metrics indicate poor data quality at this position in the gnomAD database. This variant has not been reported in the literature in individuals affected with UNC93B1-related conditions. ClinVar contains an entry for this variant (Variation ID: 1011222). Experimental studies and prediction algorithms are not available or were not evaluated, and the functional significance of this variant is currently unknown. In summary, the available evidence is currently insufficient to determine the role of this variant in disease. Therefore, it has been classified as a Variant of Uncertain Significance.

NM_030930.4(UNC93B1):c.1488G>T (p.Lys496Asn)

Gene: UNC93B1 (unc-93B1 regulator of TLR signaling; minus strand). Cytogenetic location: 11q13.2.
Variant type: single nucleotide variant.
Coding change: c.1488G>T on transcript NM_030930.4 (MANE Select); coding-DNA position 1488, G replaced by T.
Protein change: p.Lys496Asn; replaces lysine 496 with asparagine.
Molecular consequence: missense variant.
Genome position (GRCh38, 1-based): chr11:67,991,852, C>A on the plus strand (G>T on the coding strand, the complement: UNC93B1 is on the minus strand). VCF-style: chr11-67991852-C-A. GRCh37 (hg19) VCF-style: chr11-67759323-C-A.
Other names: short protein forms K496N.
Identifiers: ClinVar variation 1011222 (VCV001011222.5), dbSNP rs1192335263, ClinGen allele CA381567796.